The following is an entry in ClinVar:

ClinVar aggregate classification (germline): Likely pathogenic (1 of 4 stars; one submission).

Conditions:
SCN2A-related disorder. Also called: SCN2A-related condition; SCN2A-related disorders. Identifiers: MedGen CN382226, MONDO:1060245.

Submission:

PreventionGenetics, part of Exact Sciences
Classification: Likely pathogenic for SCN2A-related condition. Last evaluated: 2023-04-24. Review status: criteria provided, single submitter. Criteria: ACMG Guidelines, 2015. Collection method: clinical testing. Allele origin: germline.
Comment: The SCN2A c.981T>G variant is predicted to result in premature protein termination (p.Tyr327*). To our knowledge, this variant has not been reported in the literature or in a large population database, indicating this variant is rare. Nonsense variants in SCN2A are expected to be pathogenic (see, for example, Scocchia et al. 2019. PubMed ID: 30792901; Wolff et al. 2017. PubMed ID: 28379373; Berecki et al. 2022. PubMed ID: 35637276). This variant is interpreted as likely pathogenic.

NM_001040142.2(SCN2A):c.981T>G (p.Tyr327Ter)

Gene: SCN2A (sodium voltage-gated channel alpha subunit 2; plus strand). Cytogenetic location: 2q24.3.
Variant type: single nucleotide variant.
Coding change: c.981T>G on transcript NM_001040142.2 (MANE Select); coding-DNA position 981, T replaced by G.
Protein change: p.Tyr327Ter; replaces tyrosine 327 with a stop codon.
Molecular consequence: nonsense.
Genome position (GRCh38, 1-based): chr2:165,312,035, T>G. VCF-style: chr2-165312035-T-G. GRCh37 (hg19) VCF-style: chr2-166168545-T-G.
Other names: c.981T>G, p.Tyr327Ter (NM_001040143.2, NM_001371246.1, NM_001371247.1 and 1 more transcripts); short protein forms Y327*.
Identifiers: ClinVar variation 2632980 (VCV002632980.1), dbSNP rs2467895421, ClinGen allele CA349019640.